The following is an entry in ClinVar:

ClinVar aggregate classification (germline): Benign/Likely benign. Review status: criteria provided, multiple submitters, no conflicts (2 of 4 stars). 2 submissions from 2 submitters: Benign (1); Likely benign (1). Last evaluated 2026-09-22.

Conditions:
Colorectal cancer, hereditary nonpolyposis, type 7. Identifiers: Orphanet 144, MedGen C1858380, MONDO:0013725, OMIM 614385.

Allele frequency attached by ClinVar (database versions not stated): TOPMed below 0.00001.

Submissions (2):

Myriad Genetics, Inc.
Classification: Benign for Colorectal cancer, hereditary nonpolyposis, type 7. Last evaluated: 2026-09-22. Review status: criteria provided, single submitter. Criteria: Myriad Autosomal Dominant, Autosomal Recessive and X-Linked Classification Criteria (2023). Collection method: clinical testing. Allele origin: unknown.
Comment: This variant is considered benign. This variant is a silent/synonymous amino acid change and it is not expected to impact splicing.

Ambry Genetics
Classification: Likely benign. Last evaluated: 2022-09-18. Review status: criteria provided, single submitter. Criteria: Ambry Variant Classification Scheme 2023. Collection method: clinical testing. Allele origin: germline.

NM_001040108.2(MLH3):c.3477T>C (p.Asp1159=)

Gene: MLH3 (mutL homolog 3; minus strand). Cytogenetic location: 14q24.3.
Variant type: single nucleotide variant.
Coding change: c.3477T>C on transcript NM_001040108.2 (MANE Select); coding-DNA position 3477, T replaced by C.
Protein change: p.Asp1159=; no amino-acid change (aspartic acid 1159 retained).
Molecular consequence: synonymous variant.
Genome position (GRCh38, 1-based): chr14:75,040,004, A>G on the plus strand (T>C on the coding strand, the complement: MLH3 is on the minus strand). VCF-style: chr14-75040004-A-G. GRCh37 (hg19) VCF-style: chr14-75506707-A-G.
Other names: c.3477T>C, p.Asp1159= (NM_014381.3).
Identifiers: ClinVar variation 1731798 (VCV001731798.3), dbSNP rs1891725893, ClinGen allele CA487176571.